The following is an entry in ClinVar:

ClinVar aggregate classification (germline): Conflicting classifications of pathogenicity. Review status: criteria provided, conflicting classifications (1 of 4 stars). 3 submissions from 3 submitters: Uncertain significance (2); Likely benign (1). Last evaluated 2026-07-16.

Conditions:
Lipase deficiency, combined. Also called: LIPOPROTEIN LIPASE DEFICIENCY WITH HEPATIC TRIGLYCERIDE LIPASE DEFICIENCY; LPL AND HL DEFICIENCY; LPL AND HTGL DEFICIENCY. Identifiers: Orphanet 535453, MedGen C1855498, MONDO:0009527, OMIM 246650.
LMF1-related disorder. Also called: LMF1-related condition.

Allele frequency attached by ClinVar (database versions not stated): ExAC 0.00057; 1000 Genomes Project 0.00080; 1000 Genomes Project 30x 0.00125; gnomAD 0.00181; TOPMed 0.00183; gnomAD exomes 0.00248.
gnomAD v4.1: 3,509 of 1,466,868 alleles (0.24%); highest among the groups gnomAD compares: Middle Eastern, 0.4%; 5 homozygotes.

Submissions (3):

PreventionGenetics, part of Exact Sciences
Classification: Uncertain significance for LMF1-related condition. Last evaluated: 2026-07-16. Review status: criteria provided, single submitter. Criteria: ACMG Guidelines, 2015. Collection method: clinical testing. Allele origin: germline.
Comment: The LMF1 c.115+1G>A variant is predicted to disrupt the GT donor site and interfere with normal splicing. However, the use of computer prediction programs is not equivalent to functional evidence. Of note, this variant can also be referred to as c.514+254G>A with the MANE Select isoform, NM_022773.4. To our knowledge, this variant has not been reported in the literature. This variant is reported in 0.33% of alleles in individuals of European (Non-Finnish) descent in gnomAD. Although we suspect that this variant may be benign, at this time, the clinical significance of this variant is uncertain due to the absence of conclusive functional and genetic evidence.

Molecular Diagnostic Laboratory for Inherited Cardiovascular Disease, Montreal Heart Institute
Classification: Likely benign. Last evaluated: 2025-04-09. Review status: criteria provided, single submitter. Criteria: ACMG Guidelines, 2015. Collection method: clinical testing. Allele origin: germline. Affected: no.
Comment: BS1

Department of Pathology and Laboratory Medicine, Sinai Health System
Classification: Uncertain significance for lipase deficiency, combined. Last evaluated: 2022-10-20. Review status: criteria provided, single submitter. Criteria: ACMG Guidelines, 2015. Collection method: research. Allele origin: germline.

NM_022773.4(LMF1):c.514+254G>A

Genes: LMF1 (lipase maturation factor 1; minus strand), LMF1-AS1 (LMF1 antisense RNA 1; plus strand). Cytogenetic location: 16p13.3.
Variant type: single nucleotide variant.
Coding change: c.514+254G>A on transcript NM_022773.4 (MANE Select); 254 bases into the intron after coding-DNA position 514, G replaced by A.
Molecular consequence: intron variant. On other transcripts: non-coding transcript variant (2), splice donor variant (1).
Genome position (GRCh38, 1-based): chr16:933,990, C>T on the plus strand (G>A on the coding strand, the complement: LMF1 is on the minus strand). VCF-style: chr16-933990-C-T. GRCh37 (hg19) VCF-style: chr16-983990-C-T.
Other names: c.187+254G>A (NM_001352019.2); c.-290+254G>A (NM_001352017.2); c.115+1G>A (NM_001352018.2); c.514+254G>A (NM_001352020.1); c.-138+200G>A (NM_001352021.2).
Identifiers: ClinVar variation 2634249 (VCV002634249.4), dbSNP rs72759474, ClinGen allele CA7797503.